The following is an entry in ClinVar:

ClinVar aggregate classification (germline): Pathogenic (1 of 4 stars; one submission).

Conditions:
Familial adenomatous polyposis 1 (FAP1). Also called: POLYPOSIS, ADENOMATOUS INTESTINAL; FAMILIAL ADENOMATOUS POLYPOSIS 1, ATTENUATED. Identifiers: MedGen C2713442, MONDO:0021056, OMIM 175100. Disease mechanism: loss of function.

Submission:

Myriad Genetics, Inc.
Classification: Pathogenic for Familial adenomatous polyposis 1. Last evaluated: 2023-05-10. Review status: criteria provided, single submitter. Criteria: Myriad Autosomal Dominant, Autosomal Recessive and X-Linked Classification Criteria (2023). Collection method: clinical testing. Allele origin: unknown.
Comment: This variant is considered pathogenic. This variant creates a frameshift predicted to result in premature protein truncation.

NM_000038.6(APC):c.4317_4318del (p.Pro1440fs)

Gene: APC (APC regulator of Wnt signaling pathway; plus strand). Cytogenetic location: 5q22.2.
Variant type: Deletion.
Coding change: c.4317_4318del on transcript NM_000038.6 (MANE Select); coding-DNA positions 4317 to 4318, 2 bases deleted (TC; older notation c.4317_4318delTC).
Protein change: p.Pro1440fs; shifts the reading frame from proline 1440.
Molecular consequence: frameshift variant. On other transcripts: non-coding transcript variant (2).
Genome position (GRCh38, 1-based): chr5:112,839,911-112,839,912, TC deleted; deleting any 2 consecutive bases within chr5:112,839,910-112,839,912 gives the same sequence; the c. name uses the placement nearest the transcript's 3' end. VCF-style (leftmost placement, unchanged base first): chr5-112839909-CCT-C. GRCh37 (hg19) VCF-style: chr5-112175606-CCT-C.
Other names: c.3165_3166del, p.Pro1056fs (NM_001407472.1, NM_001407471.1); c.4317_4318del, p.Pro1440fs (NM_001127510.3, NM_001354895.2, NM_001407450.1); c.4263_4264del, p.Pro1422fs (NM_001127511.3); c.4371_4372del, p.Pro1458fs (NM_001354896.2, NM_001407447.1, NM_001407448.1 and 1 more transcripts); c.4347_4348del, p.Pro1450fs (NM_001354897.2); c.4242_4243del, p.Pro1415fs (NM_001354898.2); c.4233_4234del, p.Pro1412fs (NM_001354899.2); c.4194_4195del, p.Pro1399fs (NM_001354900.2); and 11 more; short protein forms P1056fs, P1157fs, P1280fs, P1311fs, P1314fs, P1339fs, P1349fs, P1357fs.
Identifiers: ClinVar variation 2583638 (VCV002583638.1), dbSNP rs2533565254, ClinGen allele CA2582341271.